The following is an entry in ClinVar:

NM_015346.4(ZFYVE26):c.6849A>G (p.Thr2283=)

Gene: ZFYVE26 (zinc finger FYVE-type containing 26; minus strand). Cytogenetic location: 14q24.1.
Variant type: single nucleotide variant.
Coding change: c.6849A>G on transcript NM_015346.4 (MANE Select); coding-DNA position 6849, A replaced by G.
Protein change: p.Thr2283=; no amino-acid change (threonine 2283 retained).
Molecular consequence: synonymous variant.
Genome position (GRCh38, 1-based): chr14:67,755,188, T>C on the plus strand (A>G on the coding strand, the complement: ZFYVE26 is on the minus strand). VCF-style: chr14-67755188-T-C. GRCh37 (hg19) VCF-style: chr14-68221905-T-C.
Other names: p.Thr2283=.
Identifiers: ClinVar variation 313876 (VCV000313876.20), dbSNP rs74935043, ClinGen allele CA7239123.

ClinVar aggregate classification (germline): Conflicting classifications of pathogenicity. Review status: criteria provided, conflicting classifications (1 of 4 stars). 5 submissions from 5 submitters: Uncertain significance (1); Benign (1); Likely benign (3). Last evaluated 2026-01-27.

Conditions:
Spastic paraplegia. Identifiers: MedGen C0037772, HP:0001258.
Hereditary spastic paraplegia 15 (SPG15). Also called: KJELLIN SYNDROME; SPASTIC PARAPLEGIA 15, AUTOSOMAL RECESSIVE; SPASTIC PARAPLEGIA AND RETINAL DEGENERATION. Identifiers: Orphanet 100996, MedGen C1849128, MONDO:0010044, OMIM 270700.

Allele frequency attached by ClinVar (database versions not stated): gnomAD exomes 0.00027 and 0.00064; ExAC 0.00081; 1000 Genomes Project 30x 0.00141; 1000 Genomes Project 0.00160; gnomAD 0.00246 and 0.00272; TOPMed 0.00295; ESP Exome Variant Server 0.00338.

Submissions (5):

Labcorp Genetics (formerly Invitae), Labcorp
Classification: Benign for Spastic paraplegia. Last evaluated: 2026-01-27. Review status: criteria provided, single submitter. Criteria: Invitae Variant Classification Sherloc (09022015). Collection method: clinical testing. Allele origin: germline.

Mayo Clinic Laboratories, Mayo Clinic
Classification: Likely benign. Last evaluated: 2025-08-27. Review status: criteria provided, single submitter. Criteria: ACMG Guidelines, 2015. Collection method: clinical testing. Allele origin: germline. Observed: 1 variant allele.
Comment: BA1

Blueprint Genetics
Classification: Likely benign. Last evaluated: 2024-01-23. Review status: criteria provided, single submitter. Criteria: ACMG Guidelines, 2015. Collection method: clinical testing. Allele origin: germline.

GeneDx
Classification: Likely benign. Last evaluated: 2020-03-31. Review status: criteria provided, single submitter. Criteria: GeneDx Variant Classification Process June 2021. Collection method: clinical testing. Allele origin: germline. Affected: yes.

Illumina Laboratory Services, Illumina
Classification: Uncertain significance for Hereditary spastic paraplegia 15. Last evaluated: 2018-01-12. Review status: criteria provided, single submitter. Criteria: ICSL Variant Classification Criteria 13 December 2019. Collection method: clinical testing. Allele origin: germline.